The following is an entry in ClinVar:

NM_016333.4(SRRM2):c.136G>T (p.Glu46Ter)

Gene: SRRM2 (serine/arginine repetitive matrix 2; plus strand). Cytogenetic location: 16p13.3.
Variant type: single nucleotide variant.
Coding change: c.136G>T on transcript NM_016333.4 (MANE Select); coding-DNA position 136, G replaced by T.
Protein change: p.Glu46Ter; replaces glutamic acid 46 with a stop codon.
Molecular consequence: nonsense.
Genome position (GRCh38, 1-based): chr16:2,756,500, G>T. VCF-style: chr16-2756500-G-T. GRCh37 (hg19) VCF-style: chr16-2806501-G-T.
Other names: short protein forms E46*.
Identifiers: ClinVar variation 2785579 (VCV002785579.3), dbSNP rs2505588730, ClinGen allele CA394403779.

ClinVar aggregate classification (germline): Pathogenic (1 of 4 stars; one submission).

Submission:

Labcorp Genetics (formerly Invitae), Labcorp
Classification: Pathogenic. Last evaluated: 2023-03-22. Review status: criteria provided, single submitter. Criteria: Invitae Variant Classification Sherloc (09022015). Collection method: clinical testing. Allele origin: germline.
Comment: For these reasons, this variant has been classified as Pathogenic. This sequence change creates a premature translational stop signal (p.Glu46*) in the SRRM2 gene. It is expected to result in an absent or disrupted protein product. Loss-of-function variants in SRRM2 are known to be pathogenic (PMID: 35567594). This variant is not present in population databases (gnomAD no frequency). This variant has not been reported in the literature in individuals affected with SRRM2-related conditions.

Literature cited by the submitters: PubMed 35567594.